The following is an entry in ClinVar:

NM_003331.5(TYK2):c.932C>T (p.Pro311Leu)

Gene: TYK2 (tyrosine kinase 2; minus strand). Cytogenetic location: 19p13.2.
Variant type: single nucleotide variant.
Coding change: c.932C>T on transcript NM_003331.5 (MANE Select); coding-DNA position 932, C replaced by T.
Protein change: p.Pro311Leu; replaces proline 311 with leucine.
Molecular consequence: missense variant.
Genome position (GRCh38, 1-based): chr19:10,365,596, G>A on the plus strand (C>T on the coding strand, the complement: TYK2 is on the minus strand). VCF-style: chr19-10365596-G-A. GRCh37 (hg19) VCF-style: chr19-10476272-G-A.
Other names: c.932C>T, p.Pro311Leu (NM_001385197.1, NM_001385198.1, NM_001385199.1 and 7 more transcripts); c.842C>T, p.Pro281Leu (NM_001385205.1); short protein forms P281L, P311L.
Identifiers: ClinVar variation 1387684 (VCV001387684.5), dbSNP rs1191624543, ClinGen allele CA404016161.

ClinVar aggregate classification (germline): Uncertain significance (1 of 4 stars; one submission).

Conditions:
Immunodeficiency 35 (IMD35). Also called: TYK2 DEFICIENCY; Susceptibility to infection due to TYK2 deficiency; HIES WITH ATYPICAL MYCOBACTERIOSIS, AUTOSOMAL RECESSIVE; HYPER-IgE SYNDROME WITH ATYPICAL MYCOBACTERIOSIS, AUTOSOMAL RECESSIVE. Identifiers: Orphanet 331226, MedGen C1969086, MONDO:0012682, OMIM 611521.

Allele frequency attached by ClinVar (database versions not stated): gnomAD exomes 0.00001 and 0.00002.
gnomAD v4.1: 4 of 1,614,110 alleles (0.00025%); highest among the groups gnomAD compares: Admixed American, 0.0067%; no homozygotes.

Submission:

Labcorp Genetics (formerly Invitae), Labcorp
Classification: Uncertain significance for Immunodeficiency 35. Last evaluated: 2021-03-01. Review status: criteria provided, single submitter. Criteria: Invitae Variant Classification Sherloc (09022015). Collection method: clinical testing. Allele origin: germline.
Comment: This variant has not been reported in the literature in individuals with TYK2-related conditions. This variant is not present in population databases (ExAC no frequency). This sequence change replaces proline with leucine at codon 311 of the TYK2 protein (p.Pro311Leu). The proline residue is highly conserved and there is a moderate physicochemical difference between proline and leucine. Algorithms developed to predict the effect of missense changes on protein structure and function output the following: SIFT: "Not Available"; PolyPhen-2: "Benign"; Align-GVGD: "Not Available". The leucine amino acid residue is found in multiple mammalian species, suggesting that this missense change does not adversely affect protein function. These predictions have not been confirmed by published functional studies and their clinical significance is uncertain. In summary, the available evidence is currently insufficient to determine the role of this variant in disease. Therefore, it has been classified as a Variant of Uncertain Significance.